The following is an entry in ClinVar:

NM_006206.6(PDGFRA):c.2563-7C>T

Gene: PDGFRA (platelet derived growth factor receptor alpha; plus strand). Cytogenetic location: 4q12.
Variant type: single nucleotide variant.
Coding change: c.2563-7C>T on transcript NM_006206.6 (MANE Select); 7 bases into the intron before coding-DNA position 2563, C replaced by T.
Molecular consequence: intron variant.
Genome position (GRCh38, 1-based): chr4:54,287,423, C>T. VCF-style: chr4-54287423-C-T. GRCh37 (hg19) VCF-style: chr4-55153590-C-T.
Other names: c.2638-7C>T (NM_001347828.2); c.2563-7C>T (NM_001347829.2); c.2602-7C>T (NM_001347830.2).
Identifiers: ClinVar variation 3061130 (VCV003061130.2), dbSNP rs1724414114, ClinGen allele CA1458538270.

ClinVar aggregate classification (germline): Likely benign (0 of 4 stars; one submission).

Conditions:
PDGFRA-related disorder. Also called: PDGFRA-related condition.

Submission:

PreventionGenetics, part of Exact Sciences
Classification: Likely benign for PDGFRA-related condition. Last evaluated: 2021-10-21. Review status: no assertion criteria provided. Collection method: clinical testing. Allele origin: germline.
Comment: This variant is classified as likely benign based on ACMG/AMP sequence variant interpretation guidelines (Richards et al. 2015 PMID: 25741868, with internal and published modifications).